The following is an entry in ClinVar:

NM_201384.3(PLEC):c.5966G>A (p.Arg1989His)

Gene: PLEC (plectin; minus strand). Cytogenetic location: 8q24.3.
Variant type: single nucleotide variant.
Coding change: c.5966G>A on transcript NM_201384.3 (MANE Select); coding-DNA position 5966, G replaced by A.
Protein change: p.Arg1989His; replaces arginine 1989 with histidine.
Molecular consequence: missense variant.
Genome position (GRCh38, 1-based): chr8:143,923,963, C>T on the plus strand (G>A on the coding strand, the complement: PLEC is on the minus strand). VCF-style: chr8-143923963-C-T. GRCh37 (hg19) VCF-style: chr8-144998131-C-T.
Other names: c.6047G>A, p.Arg2016His (NM_000445.5); c.5924G>A, p.Arg1975His (NM_201378.4); c.5900G>A, p.Arg1967His (NM_201379.3); c.6377G>A, p.Arg2126His (NM_201380.4); c.5870G>A, p.Arg1957His (NM_201381.3); c.5966G>A, p.Arg1989His (NM_201382.4); c.5978G>A, p.Arg1993His (NM_201383.3); short protein forms R2126H, R1967H, R1993H, R2016H, R1989H, R1957H, R1975H.
Identifiers: ClinVar variation 968496 (VCV000968496.9), dbSNP rs782084501, ClinGen allele CA4926166.
Genomic context (GRCh38, chr8:143,923,963, plus strand): 5'-TCCAGCGCCGCCTTCCGCTGCCGTGCGGCCTCCTCCTCGGCCGCCAGGCTCTTCTGCACG[C>T]GCTCCTCAGCCTCACGGCGCCGCCGCTCCTCCTCCGCCGCCAGCTGCCGCTGCCTCGCAG-3'
Protein context (NP_958786.1, residues 1979-1999): EERRRREAEE[Arg1989His]VQKSLAAEEE

ClinVar aggregate classification (germline): Uncertain significance. Review status: criteria provided, multiple submitters, no conflicts (2 of 4 stars). 3 submissions from 3 submitters: Uncertain significance (3). Last evaluated 2025-12-29.

Conditions:
Epidermolysis bullosa simplex, Ogna type (EBS5A). Also called: Pidermolysis bullosa simplex 5A, Ogna type; EPIDERMOLYSIS BULLOSA SIMPLEX 5A, OGNA TYPE. Identifiers: Orphanet 79401, MedGen C0432317, MONDO:0007555, OMIM 131950.
Epidermolysis bullosa simplex 5C, with pyloric atresia (EBS5C). Also called: PLEC1-Related Epidermolysis Bullosa with Pyloric Atresia; PLEC-Related Epidermolysis Bullosa with Pyloric Atresia; Epidermolysis bullosa simplex with pyloric atresia. Identifiers: Orphanet 158684, MedGen C2677349, MONDO:0012807, OMIM 612138.
Autosomal recessive limb-girdle muscular dystrophy type 2Q (LGMDR17). Also called: MUSCULAR DYSTROPHY, LIMB-GIRDLE, AUTOSOMAL RECESSIVE 17. Identifiers: Orphanet 254361, MedGen C3150989, MONDO:0013390, OMIM 613723.
Epidermolysis bullosa simplex with nail dystrophy (EBS5D). Identifiers: MedGen C4225309, MONDO:0014661, OMIM 616487.
Epidermolysis bullosa simplex 5B, with muscular dystrophy (EBS5B). Also called: EPIDERMOLYSIS BULLOSA SIMPLEX AND LIMB-GIRDLE MUSCULAR DYSTROPHY; Epidermolysis bullosa simplex with muscular dystrophy. Identifiers: Orphanet 257, MedGen C2931072, MONDO:0009181, OMIM 226670.

Allele frequency attached by ClinVar (database versions not stated): ExAC 0.00005; gnomAD exomes 0.00005 and 0.00008; gnomAD 0.00011; TOPMed 0.00014.
gnomAD v4.1: 134 of 1,592,010 alleles (0.0084%); highest among the groups gnomAD compares: Middle Eastern, 0.034%; no homozygotes.

Submissions (3):

Labcorp Genetics (formerly Invitae), Labcorp
Classification: Uncertain significance for Autosomal recessive limb-girdle muscular dystrophy type 2Q; Epidermolysis bullosa simplex, Ogna type; Epidermolysis bullosa simplex with nail dystrophy; Epidermolysis bullosa simplex 5C, with pyloric atresia; Epidermolysis bullosa simplex 5B, with muscular dystrophy. Last evaluated: 2025-12-29. Review status: criteria provided, single submitter. Criteria: Invitae Variant Classification Sherloc (09022015). Collection method: clinical testing. Allele origin: germline.
Comment: This sequence change replaces arginine, which is basic and polar, with histidine, which is basic and polar, at codon 2016 of the PLEC protein (p.Arg2016His). This variant is present in population databases (rs782084501, gnomAD 0.01%). This variant has not been reported in the literature in individuals affected with PLEC-related conditions. ClinVar contains an entry for this variant (Variation ID: 968496). Invitae Evidence Modeling of protein sequence and biophysical properties (such as structural, functional, and spatial information, amino acid conservation, physicochemical variation, residue mobility, and thermodynamic stability) indicates that this missense variant is not expected to disrupt PLEC protein function with a negative predictive value of 80%. In summary, the available evidence is currently insufficient to determine the role of this variant in disease. Therefore, it has been classified as a Variant of Uncertain Significance.

Revvity Omics, Revvity
Classification: Uncertain significance. Last evaluated: 2024-02-14. Review status: criteria provided, single submitter. Criteria: ACMG Guidelines, 2015. Collection method: clinical testing. Allele origin: germline.

Blueprint Genetics
Classification: Uncertain significance. Last evaluated: 2023-12-18. Review status: criteria provided, single submitter. Criteria: ACMG Guidelines, 2015. Collection method: clinical testing. Allele origin: germline.